The following is an entry in ClinVar:

NM_005458.8(GABBR2):c.894C>T (p.Asn298=)

Gene: GABBR2 (gamma-aminobutyric acid type B receptor subunit 2; minus strand). Cytogenetic location: 9q22.33.
Variant type: single nucleotide variant.
Coding change: c.894C>T on transcript NM_005458.8 (MANE Select); coding-DNA position 894, C replaced by T.
Protein change: p.Asn298=; no amino-acid change (asparagine 298 retained).
Molecular consequence: synonymous variant.
Genome position (GRCh38, 1-based): chr9:98,473,251, G>A on the plus strand (C>T on the coding strand, the complement: GABBR2 is on the minus strand). VCF-style: chr9-98473251-G-A. GRCh37 (hg19) VCF-style: chr9-101235533-G-A.
Identifiers: ClinVar variation 1190576 (VCV001190576.13), dbSNP rs532040816, ClinGen allele CA5152856.
Genomic context (GRCh38, chr9:98,473,251, plus strand): 5'-ATCCACGCCAATGTAGCCCTCCATGGCAGCAAGCAGATTCTTCCGGAGGCAGCGGGATGA[G>A]TTGGCTTCCGTGTGCACCTGCTCCCACCAAGAAGGCTCGTACCAGCCCGGAATGATCCAC-3'
Protein context (NP_005449.5, residues 288-308): SWWEQVHTEA[Asn298=]SSRCLRKNLL

ClinVar aggregate classification (germline): Benign/Likely benign. Review status: criteria provided, multiple submitters, no conflicts (2 of 4 stars). 4 submissions from 4 submitters: Benign (1); Likely benign (2). 1 of the submissions does not count toward it. Last evaluated 2025-03-06.

Conditions:
Epileptic encephalopathy. Identifiers: MedGen C0543888, HP:0200134.
GABBR2-related disorder. Also called: GABBR2-related disorders; GABBR2-related condition.

Allele frequency attached by ClinVar (database versions not stated): TOPMed 0.00001; gnomAD 0.00010; gnomAD exomes 0.00014 and 0.00034; ExAC 0.00039; 1000 Genomes Project 30x 0.00109; 1000 Genomes Project 0.00140.
gnomAD v4.1: 223 of 1,613,670 alleles (0.014%); highest among the groups gnomAD compares: South Asian, 0.24%; 1 homozygote.

Submissions (4):

Labcorp Genetics (formerly Invitae), Labcorp
Classification: Benign for Epileptic encephalopathy. Last evaluated: 2025-03-06. Review status: criteria provided, single submitter. Criteria: Invitae Variant Classification Sherloc (09022015). Collection method: clinical testing. Allele origin: germline.

Blueprint Genetics
Classification: Likely benign. Last evaluated: 2024-08-17. Review status: criteria provided, single submitter. Criteria: ACMG Guidelines, 2015. Collection method: clinical testing. Allele origin: germline.

GeneDx
Classification: Likely benign. Last evaluated: 2018-09-11. Review status: criteria provided, single submitter. Criteria: GeneDx Variant Classification Process June 2021. Collection method: clinical testing. Allele origin: germline. Affected: yes.

PreventionGenetics, part of Exact Sciences
Classification: Likely benign for GABBR2-related condition. Last evaluated: 2020-01-24. Review status: no assertion criteria provided. Collection method: clinical testing. Allele origin: germline. Not counted in ClinVar's aggregate classification.
Comment: This variant is classified as likely benign based on ACMG/AMP sequence variant interpretation guidelines (Richards et al. 2015 PMID: 25741868, with internal and published modifications).